The following is an entry in ClinVar:

ClinVar aggregate classification (germline): Benign/Likely benign. Review status: criteria provided, multiple submitters, no conflicts (2 of 4 stars). 12 submissions from 9 submitters: Benign (6); Likely benign (3). 3 of the submissions do not count toward it. Last evaluated 2026-02-02.

Conditions:
TTN-related disorder. Also called: TTN-related condition; TTN-related disease; TTN-related disorders.
Dilated cardiomyopathy 1G (CMD1G). Identifiers: Orphanet 154, MedGen C1858763, MONDO:0011400, OMIM 604145.
Autosomal recessive limb-girdle muscular dystrophy type 2J (LGMDR10). Also called: Limb-girdle muscular dystrophy, type 2J; MUSCULAR DYSTROPHY, LIMB-GIRDLE, AUTOSOMAL RECESSIVE 10. Identifiers: Orphanet 140922, MedGen C1837342, MONDO:0012127, OMIM 608807.
Cardiomyopathy (CMYO). Also called: Cardiomyopathies. Identifiers: Orphanet 167848, MedGen C0878544, MONDO:0004994, HP:0001638. Inheritance: Various modes of inheritance.
Early-onset myopathy with fatal cardiomyopathy (CMYO5). Also called: CONGENITAL MYOPATHY 5 WITH CARDIOMYOPATHY; Salih Myopathy. Identifiers: Orphanet 289377, MedGen C2673677, MONDO:0012714, OMIM 611705. Disease mechanism: loss of function.
Tibial muscular dystrophy (TMD). Also called: Udd Distal Myopathy – Tibial Muscular Dystrophy; UDD MYOPATHY; Tibial muscular dystrophy, tardive. Identifiers: Orphanet 609, MedGen C1838244, MONDO:0010870, OMIM 600334.
Myopathy, myofibrillar, 9, with early respiratory failure (MFM9). Also called: Hereditary myopathy with early respiratory failure; EDSTROM MYOPATHY; MYOPATHY, PROXIMAL, WITH EARLY RESPIRATORY MUSCLE INVOLVEMENT; Myopathy, distal, with early respiratory failure, autosomal dominant. Identifiers: Orphanet 178464, Orphanet 34521, MedGen C1863599, MONDO:0011362, OMIM 603689.

Allele frequency attached by ClinVar (database versions not stated): ExAC 0.00064; 1000 Genomes Project 30x 0.00141; 1000 Genomes Project 0.00160; gnomAD below 0.00001 and 0.00017; TOPMed 0.00005; gnomAD exomes 0.00025.
gnomAD v4.1: 389 of 1,610,940 alleles (0.024%); highest among the groups gnomAD compares: South Asian, 0.4%; 5 homozygotes.

Submissions (12):

Labcorp Genetics (formerly Invitae), Labcorp
Classification: Benign for Dilated cardiomyopathy 1G; Autosomal recessive limb-girdle muscular dystrophy type 2J. Last evaluated: 2026-02-02. Review status: criteria provided, single submitter. Criteria: Invitae Variant Classification Sherloc (09022015). Collection method: clinical testing. Allele origin: germline.

PreventionGenetics, part of Exact Sciences
Classification: Likely benign for TTN-related condition. Last evaluated: 2026-02-02. Review status: criteria provided, single submitter. Criteria: ACMG Guidelines, 2015. Collection method: clinical testing. Allele origin: germline.
Comment: This variant is classified as likely benign based on ACMG/AMP sequence variant interpretation guidelines (Richards et al. 2015 PMID: 25741868, with internal and published modifications).

Genome-Nilou Lab
Classification: Benign for Autosomal recessive limb-girdle muscular dystrophy type 2J. Last evaluated: 2021-09-10. Review status: criteria provided, single submitter. Criteria: ACMG Guidelines, 2015. Collection method: clinical testing. Allele origin: germline. Affected: no.

Genome-Nilou Lab
Classification: Benign for Myopathy, myofibrillar, 9, with early respiratory failure. Last evaluated: 2021-09-10. Review status: criteria provided, single submitter. Criteria: ACMG Guidelines, 2015. Collection method: clinical testing. Allele origin: germline. Affected: no.

Genome-Nilou Lab
Classification: Benign for Early-onset myopathy with fatal cardiomyopathy. Last evaluated: 2021-09-10. Review status: criteria provided, single submitter. Criteria: ACMG Guidelines, 2015. Collection method: clinical testing. Allele origin: germline. Affected: no.

Genome-Nilou Lab
Classification: Benign for Tibial muscular dystrophy. Last evaluated: 2021-09-10. Review status: criteria provided, single submitter. Criteria: ACMG Guidelines, 2015. Collection method: clinical testing. Allele origin: germline. Affected: no.

GeneDx
Classification: Likely benign. Last evaluated: 2017-12-13. Review status: criteria provided, single submitter. Criteria: GeneDx Variant Classification (06012015). Collection method: clinical testing. Allele origin: germline. Affected: yes.
Comment: This variant is considered likely benign or benign based on one or more of the following criteria: it is a conservative change, it occurs at a poorly conserved position in the protein, it is predicted to be benign by multiple in silico algorithms, and/or has population frequency not consistent with disease.

CHEO Genetics Diagnostic Laboratory, Children's Hospital of Eastern Ontario
Classification: Benign for Cardiomyopathy. Last evaluated: 2017-10-30. Review status: criteria provided, single submitter. Criteria: ACMG Guidelines, 2015. Collection method: clinical testing. Allele origin: germline. Study: Canadian Open Genetics Repository.

Laboratory for Molecular Medicine, Mass General Brigham Personalized Medicine
Classification: Likely benign. Last evaluated: 2013-09-13. Review status: criteria provided, single submitter. Criteria: LMM Criteria. Collection method: clinical testing. Allele origin: germline. Observed: 2 variant alleles.
Comment: Pro4781Pro in exon 59 of TTN: This variant is not expected to have clinical sign ificance because it does not alter an amino acid residue and is not located with in the splice consensus sequence. Pro4781Pro in exon 59 of TTN (allele frequenc y = n/a)

Clinical Genetics DNA and cytogenetics Diagnostics Lab, Erasmus MC, Erasmus Medical Center
Classification: Likely benign. Review status: no assertion criteria provided. Collection method: clinical testing. Allele origin: germline. Affected: yes. Study: VKGL Data-share Consensus. Not counted in ClinVar's aggregate classification.

Clinical Genetics, Academic Medical Center
Classification: Benign. Review status: no assertion criteria provided. Collection method: clinical testing. Allele origin: germline. Affected: yes. Study: VKGL Data-share Consensus. Not counted in ClinVar's aggregate classification.

Diagnostic Laboratory, Department of Genetics, University Medical Center Groningen
Classification: Likely benign. Review status: no assertion criteria provided. Collection method: clinical testing. Allele origin: germline. Affected: yes. Study: VKGL Data-share Consensus. Not counted in ClinVar's aggregate classification.

NM_001267550.2(TTN):c.18075C>T (p.Pro6025=)

Gene: TTN (titin; minus strand). Cytogenetic location: 2q31.2.
Variant type: single nucleotide variant.
Coding change: c.18075C>T on transcript NM_001267550.2 (MANE Select); coding-DNA position 18075, C replaced by T.
Protein change: p.Pro6025=; no amino-acid change (proline 6025 retained).
Molecular consequence: synonymous variant. On other transcripts: intron variant (3).
Genome position (GRCh38, 1-based): chr2:178,730,325, G>A on the plus strand (C>T on the coding strand, the complement: TTN is on the minus strand). VCF-style: chr2-178730325-G-A. GRCh37 (hg19) VCF-style: chr2-179595052-G-A.
Other names: c.17124C>T, p.Pro5708= (NM_001256850.1); c.14343C>T, p.Pro4781= (NM_133378.4); c.13282+7757C>T (NM_003319.4); c.13858+7757C>T (NM_133437.4); c.13657+7757C>T (NM_133432.3).
Identifiers: ClinVar variation 179179 (VCV000179179.27), dbSNP rs557350005, ClinGen allele CA183882.